The following is an entry in ClinVar:

NM_001407.3(CELSR3):c.4059G>A (p.Gln1353=)

Gene: CELSR3 (cadherin EGF LAG seven-pass G-type receptor 3; minus strand). Cytogenetic location: 3p21.31.
Variant type: single nucleotide variant.
Coding change: c.4059G>A on transcript NM_001407.3 (MANE Select); coding-DNA position 4059, G replaced by A.
Protein change: p.Gln1353=; no amino-acid change (glutamine 1353 retained).
Molecular consequence: synonymous variant.
Genome position (GRCh38, 1-based): chr3:48,657,038, C>T on the plus strand (G>A on the coding strand, the complement: CELSR3 is on the minus strand). VCF-style: chr3-48657038-C-T. GRCh37 (hg19) VCF-style: chr3-48694471-C-T.
Identifiers: ClinVar variation 774601 (VCV000774601.29), dbSNP rs145229058, ClinGen allele CA2385026.
Genomic context (GRCh38, chr3:48,657,038, plus strand): 5'-GGGCAGTACGTCGAGCAGGGAGCGAGCCGCCAGCGCCGCCCGGCGCACGTACAACTGCTC[C>T]TGCAGCTCCTCGGAGCTGAACCAGGGCCCTGCAGCGCCCGCCCCGGCCCCACGTGGAGCT-3'
Protein context (NP_001398.2, residues 1343-1363): AGPWFSSEEL[Gln1353=]EQLYVRRAAL

ClinVar aggregate classification (germline): Benign/Likely benign. Review status: criteria provided, multiple submitters, no conflicts (2 of 4 stars). 3 submissions from 3 submitters: Benign (2); Likely benign (1). Last evaluated 2023-01-01.

Allele frequency attached by ClinVar (database versions not stated): 1000 Genomes Project 30x 0.00141; 1000 Genomes Project 0.00160; gnomAD exomes 0.00554 and 0.00834; TOPMed 0.00601; gnomAD 0.00602; ExAC 0.00604; ESP Exome Variant Server 0.00623.

Submissions (3):

CeGaT Center for Human Genetics Tuebingen
Classification: Likely benign. Last evaluated: 2023-01-01. Review status: criteria provided, single submitter. Criteria: CeGaT Center For Human Genetics Tuebingen Variant Classification Criteria Version 2. Collection method: clinical testing. Allele origin: germline. Affected: yes. Observed: 3 variant alleles.
Comment: CELSR3: BP4, BP7, BS2

Labcorp Genetics (formerly Invitae), Labcorp
Classification: Benign. Last evaluated: 2019-12-31. Review status: criteria provided, single submitter. Criteria: Invitae Variant Classification Sherloc (09022015). Collection method: clinical testing. Allele origin: germline.

Breakthrough Genomics
Classification: Benign. Review status: criteria provided, single submitter. Criteria: ACMG Guidelines, 2015. Collection method: not provided. Allele origin: germline. Inheritance: Unknown mechanism. Affected: yes.